The following is an entry in ClinVar:

NM_002529.4(NTRK1):c.2243G>A (p.Arg748Gln)

Gene: NTRK1 (neurotrophic receptor tyrosine kinase 1; plus strand). Cytogenetic location: 1q23.1.
Variant type: single nucleotide variant.
Coding change: c.2243G>A on transcript NM_002529.4 (MANE Select); coding-DNA position 2243, G replaced by A.
Protein change: p.Arg748Gln; replaces arginine 748 with glutamine.
Molecular consequence: missense variant.
Genome position (GRCh38, 1-based): chr1:156,881,494, G>A. VCF-style: chr1-156881494-G-A. GRCh37 (hg19) VCF-style: chr1-156851286-G-A.
Other names: c.2135G>A, p.Arg712Gln (NM_001007792.1); c.2225G>A, p.Arg742Gln (NM_001012331.2); short protein forms R712Q, R742Q, R748Q.
Identifiers: ClinVar variation 965646 (VCV000965646.10), dbSNP rs745776726, ClinGen allele CA31126027.

ClinVar aggregate classification (germline): Uncertain significance. Review status: criteria provided, multiple submitters, no conflicts (2 of 4 stars). 3 submissions from 3 submitters: Uncertain significance (2). 1 of the submissions does not count toward it. Last evaluated 2024-11-06.

Conditions:
Hereditary insensitivity to pain with anhidrosis (CIPA). Also called: NEUROPATHY, CONGENITAL SENSORY, WITH ANHIDROSIS; hereditary sensory and autonomic neuropathy type 4; INSENSITIVITY TO PAIN, CONGENITAL, WITH ANHIDROSIS; HSAN Type IV; FAMILIAL DYSAUTONOMIA, TYPE II; NTRK1 Congenital Insensitivity to Pain with Anhidrosis. Identifiers: Orphanet 642, MedGen C0020074, MONDO:0009746, OMIM 256800.

gnomAD v4.1: 7 of 1,588,834 alleles (0.00044%); highest among the groups gnomAD compares: Middle Eastern, 0.066%; no homozygotes.

Submissions (3):

GeneDx
Classification: Uncertain significance. Last evaluated: 2024-11-06. Review status: criteria provided, single submitter. Criteria: GeneDx Variant Classification Process June 2021. Collection method: clinical testing. Allele origin: germline. Affected: yes.
Comment: Not observed at significant frequency in large population cohorts (gnomAD); In silico analysis supports that this missense variant has a deleterious effect on protein structure/function; Has not been previously published as pathogenic or benign to our knowledge

Labcorp Genetics (formerly Invitae), Labcorp
Classification: Uncertain significance for Hereditary insensitivity to pain with anhidrosis. Last evaluated: 2022-06-07. Review status: criteria provided, single submitter. Criteria: Invitae Variant Classification Sherloc (09022015). Collection method: clinical testing. Allele origin: germline.
Comment: This sequence change replaces arginine, which is basic and polar, with glutamine, which is neutral and polar, at codon 742 of the NTRK1 protein (p.Arg742Gln). This variant is not present in population databases (gnomAD no frequency). This variant has not been reported in the literature in individuals affected with NTRK1-related conditions. ClinVar contains an entry for this variant (Variation ID: 965646). Advanced modeling of protein sequence and biophysical properties (such as structural, functional, and spatial information, amino acid conservation, physicochemical variation, residue mobility, and thermodynamic stability) performed at Invitae indicates that this missense variant is not expected to disrupt NTRK1 protein function. In summary, the available evidence is currently insufficient to determine the role of this variant in disease. Therefore, it has been classified as a Variant of Uncertain Significance.

Natera, Inc.
Classification: Uncertain significance for Hereditary insensitivity to pain with anhidrosis. Last evaluated: 2020-09-18. Review status: no assertion criteria provided. Collection method: clinical testing. Allele origin: germline. Not counted in ClinVar's aggregate classification.